The following is an entry in ClinVar:

NM_000271.5(NPC1):c.631+3A>G

Gene: NPC1 (NPC intracellular cholesterol transporter 1; minus strand). Cytogenetic location: 18q11.2.
Variant type: single nucleotide variant.
Coding change: c.631+3A>G on transcript NM_000271.5 (MANE Select); 3 bases into the intron after coding-DNA position 631, A replaced by G.
Molecular consequence: intron variant.
Genome position (GRCh38, 1-based): chr18:23,561,357, T>C on the plus strand (A>G on the coding strand, the complement: NPC1 is on the minus strand). VCF-style: chr18-23561357-T-C. GRCh37 (hg19) VCF-style: chr18-21141321-T-C.
Other names: c.631+3A>G (NM_000271.4).
Identifiers: ClinVar variation 1399411 (VCV001399411.6), dbSNP rs759746113, ClinGen allele CA8913693.
Genomic context (GRCh38, chr18:23,561,357, plus strand): 5'-AGCCAGTTCCTTGGCTTTAAAACAATATCATAAACACACCAAACTTGGAATCTTTATACC[T>C]ACCTGAAAACACAGGAGTGATGGTAAAAGGTGCCTGTCCATTGTCCTTATTGAACATGTA-3'

ClinVar aggregate classification (germline): Conflicting classifications of pathogenicity. Review status: criteria provided, conflicting classifications (1 of 4 stars). 4 submissions from 4 submitters: Uncertain significance (3); Likely benign (1). Last evaluated 2025-12-11.

Conditions:
NPC1-related disorder. Also called: NPC1-related condition.
Niemann-Pick disease, type C1. Also called: NIEMANN-PICK DISEASE, VARIANT TYPE C1; NEUROVISCERAL STORAGE DISEASE WITH VERTICAL SUPRANUCLEAR OPHTHALMOPLEGIA; NIEMANN-PICK DISEASE WITH CHOLESTEROL ESTERIFICATION BLOCK; NIEMANN-PICK DISEASE WITHOUT SPHINGOMYELINASE DEFICIENCY; NIEMANN-PICK DISEASE, CHRONIC NEURONOPATHIC FORM. Identifiers: Orphanet 646, MedGen C3179455, MONDO:0009757, OMIM 257220.

Allele frequency attached by ClinVar (database versions not stated): ExAC 0.00001; gnomAD exomes 0.00002.
gnomAD v4.1: 8 of 1,614,144 alleles (0.0005%); highest among the groups gnomAD compares: East Asian, 0.016%; no homozygotes.

Submissions (4):

Women's Health and Genetics/Laboratory Corporation of America, LabCorp
Classification: Uncertain significance. Last evaluated: 2025-12-11. Review status: criteria provided, single submitter. Criteria: LabCorp Variant Classification Summary - May 2015. Collection method: clinical testing. Allele origin: germline.

PreventionGenetics, part of Exact Sciences
Classification: Likely benign for NPC1-related condition. Last evaluated: 2025-07-17. Review status: criteria provided, single submitter. Criteria: ACMG Guidelines, 2015. Collection method: clinical testing. Allele origin: germline.
Comment: This variant is classified as likely benign based on ACMG/AMP sequence variant interpretation guidelines (Richards et al. 2015 PMID: 25741868, with internal and published modifications).

Labcorp Genetics (formerly Invitae), Labcorp
Classification: Uncertain significance for Niemann-Pick disease, type C1. Last evaluated: 2022-10-24. Review status: criteria provided, single submitter. Criteria: Invitae Variant Classification Sherloc (09022015). Collection method: clinical testing. Allele origin: germline.
Comment: This sequence change falls in intron 5 of the NPC1 gene. It does not directly change the encoded amino acid sequence of the NPC1 protein. It affects a nucleotide within the consensus splice site. This variant is present in population databases (rs759746113, gnomAD 0.03%). This variant has not been reported in the literature in individuals affected with NPC1-related conditions. ClinVar contains an entry for this variant (Variation ID: 1399411). Variants that disrupt the consensus splice site are a relatively common cause of aberrant splicing (PMID: 17576681, 9536098). Algorithms developed to predict the effect of sequence changes on RNA splicing suggest that this variant is not likely to affect RNA splicing. In summary, the available evidence is currently insufficient to determine the role of this variant in disease. Therefore, it has been classified as a Variant of Uncertain Significance.

Fulgent Genetics
Classification: Uncertain significance for Niemann-Pick disease, type C1. Last evaluated: 2022-03-10. Review status: criteria provided, single submitter. Criteria: ACMG Guidelines, 2015. Collection method: clinical testing. Allele origin: unknown.

Literature cited by the submitters: PubMed 17576681 (cited by Labcorp Genetics (formerly Invitae), Labcorp); PubMed 9536098 (cited by Labcorp Genetics (formerly Invitae), Labcorp).